The following is an entry in ClinVar:

NM_178857.6(RP1L1):c.3486C>T (p.Asp1162=)

Gene: RP1L1 (RP1 like 1). Cytogenetic location: 8p23.1.
Variant type: single nucleotide variant.
Coding change: c.3486C>T on transcript NM_178857.6 (MANE Select); coding-DNA position 3486, C replaced by T.
Protein change: p.Asp1162=; no amino-acid change (aspartic acid 1162 retained).
Molecular consequence: synonymous variant.
Genome position (GRCh38, 1-based): chr8:10,610,612, G>A on the plus strand (C>T on the coding strand, the complement: RP1L1 is on the minus strand). VCF-style: chr8-10610612-G-A. GRCh37 (hg19) VCF-style: chr8-10468122-G-A.
Identifiers: ClinVar variation 2658391 (VCV002658391.25), dbSNP rs112361777, ClinGen allele CA4624476.

ClinVar aggregate classification (germline): Likely benign. Review status: criteria provided, multiple submitters, no conflicts (2 of 4 stars). 2 submissions from 2 submitters: Likely benign (2). Last evaluated 2023-02-01.

Allele frequency attached by ClinVar (database versions not stated): gnomAD exomes 0.00002; ExAC 0.00003; TOPMed 0.00004; gnomAD 0.00005; 1000 Genomes Project 30x 0.00031; 1000 Genomes Project 0.00040.
gnomAD v4.1: 43 of 1,613,556 alleles (0.0027%); highest among the groups gnomAD compares: Admixed American, 0.013%; no homozygotes.

Submissions (2):

CeGaT Center for Human Genetics Tuebingen
Classification: Likely benign. Last evaluated: 2023-02-01. Review status: criteria provided, single submitter. Criteria: CeGaT Center For Human Genetics Tuebingen Variant Classification Criteria Version 2. Collection method: clinical testing. Allele origin: germline. Affected: yes. Observed: 1 variant allele.
Comment: RP1L1: BP4, BP7

Blueprint Genetics
Classification: Likely benign. Last evaluated: 2022-11-15. Review status: criteria provided, single submitter. Criteria: ACMG Guidelines, 2015. Collection method: clinical testing. Allele origin: germline.